The following is an entry in ClinVar:

ClinVar aggregate classification (germline): Uncertain significance. Review status: criteria provided, multiple submitters, no conflicts (2 of 4 stars). 4 submissions from 4 submitters: Uncertain significance (4). Last evaluated 2026-06-10.

Conditions:
Inborn genetic diseases. Identifiers: MedGen C0950123, MeSH D030342.
Epidermolysis bullosa simplex 5B, with muscular dystrophy (EBS5B). Also called: EPIDERMOLYSIS BULLOSA SIMPLEX AND LIMB-GIRDLE MUSCULAR DYSTROPHY; Epidermolysis bullosa simplex with muscular dystrophy. Identifiers: Orphanet 257, MedGen C2931072, MONDO:0009181, OMIM 226670.
Autosomal recessive limb-girdle muscular dystrophy type 2Q (LGMDR17). Also called: MUSCULAR DYSTROPHY, LIMB-GIRDLE, AUTOSOMAL RECESSIVE 17. Identifiers: Orphanet 254361, MedGen C3150989, MONDO:0013390, OMIM 613723.
Epidermolysis bullosa simplex, Ogna type (EBS5A). Also called: Pidermolysis bullosa simplex 5A, Ogna type; EPIDERMOLYSIS BULLOSA SIMPLEX 5A, OGNA TYPE. Identifiers: Orphanet 79401, MedGen C0432317, MONDO:0007555, OMIM 131950.
Epidermolysis bullosa simplex with nail dystrophy (EBS5D). Identifiers: MedGen C4225309, MONDO:0014661, OMIM 616487.
Epidermolysis bullosa simplex 5C, with pyloric atresia (EBS5C). Also called: PLEC-Related Epidermolysis Bullosa with Pyloric Atresia; Epidermolysis bullosa simplex with pyloric atresia; PLEC1-Related Epidermolysis Bullosa with Pyloric Atresia. Identifiers: Orphanet 158684, MedGen C2677349, MONDO:0012807, OMIM 612138.

Allele frequency attached by ClinVar (database versions not stated): gnomAD 0.00001; gnomAD exomes 0.00002 and 0.00004; TOPMed 0.00002; ExAC 0.00004.
gnomAD v4.1: 24 of 1,541,848 alleles (0.0016%); highest among the groups gnomAD compares: South Asian, 0.0024%; no homozygotes.

Submissions (4):

Ambry Genetics
Classification: Uncertain significance for Inborn genetic diseases. Last evaluated: 2026-06-10. Review status: criteria provided, single submitter. Criteria: Ambry Variant Classification Scheme 2023. Collection method: clinical testing. Allele origin: germline.

Labcorp Genetics (formerly Invitae), Labcorp
Classification: Uncertain significance for Autosomal recessive limb-girdle muscular dystrophy type 2Q; Epidermolysis bullosa simplex, Ogna type; Epidermolysis bullosa simplex with nail dystrophy; Epidermolysis bullosa simplex 5C, with pyloric atresia; Epidermolysis bullosa simplex 5B, with muscular dystrophy. Last evaluated: 2025-12-24. Review status: criteria provided, single submitter. Criteria: Invitae Variant Classification Sherloc (09022015). Collection method: clinical testing. Allele origin: germline.
Comment: This sequence change replaces alanine, which is neutral and non-polar, with valine, which is neutral and non-polar, at codon 1837 of the PLEC protein (p.Ala1837Val). The frequency data for this variant in the population databases is considered unreliable, as metrics indicate poor data quality at this position in the gnomAD database. This variant has not been reported in the literature in individuals affected with PLEC-related conditions. ClinVar contains an entry for this variant (Variation ID: 499883). Experimental studies and prediction algorithms are not available or were not evaluated, and the functional significance of this variant is currently unknown. In summary, the available evidence is currently insufficient to determine the role of this variant in disease. Therefore, it has been classified as a Variant of Uncertain Significance.

Blueprint Genetics
Classification: Uncertain significance. Last evaluated: 2024-09-04. Review status: criteria provided, single submitter. Criteria: ACMG Guidelines, 2015. Collection method: clinical testing. Allele origin: germline.

Eurofins Ntd Llc (ga)
Classification: Uncertain significance. Last evaluated: 2017-01-17. Review status: criteria provided, single submitter. Criteria: EGL Classification Definitions 2015. Collection method: clinical testing. Allele origin: germline. Observed: 1 variant allele, 1 heterozygote.

NM_201384.3(PLEC):c.5429C>T (p.Ala1810Val)

Gene: PLEC (plectin; minus strand). Cytogenetic location: 8q24.3.
Variant type: single nucleotide variant.
Coding change: c.5429C>T on transcript NM_201384.3 (MANE Select); coding-DNA position 5429, C replaced by T.
Protein change: p.Ala1810Val; replaces alanine 1810 with valine.
Molecular consequence: missense variant.
Genome position (GRCh38, 1-based): chr8:143,924,500, G>A on the plus strand (C>T on the coding strand, the complement: PLEC is on the minus strand). VCF-style: chr8-143924500-G-A. GRCh37 (hg19) VCF-style: chr8-144998668-G-A.
Other names: c.5510C>T, p.Ala1837Val (NM_000445.5); c.5387C>T, p.Ala1796Val (NM_201378.4); c.5363C>T, p.Ala1788Val (NM_201379.3); c.5840C>T, p.Ala1947Val (NM_201380.4); c.5333C>T, p.Ala1778Val (NM_201381.3); c.5429C>T, p.Ala1810Val (NM_201382.4); c.5441C>T, p.Ala1814Val (NM_201383.3); c.5510C>T (NM_000445.3); short protein forms A1778V, A1788V, A1796V, A1810V, A1814V, A1837V, A1947V.
Identifiers: ClinVar variation 499883 (VCV000499883.15), dbSNP rs781987856, ClinGen allele CA4926366.